The following is an entry in ClinVar:

NM_144631.6(ZNF513):c.1577C>T (p.Pro526Leu)

Gene: ZNF513 (zinc finger protein 513; minus strand). Cytogenetic location: 2p23.3.
Variant type: single nucleotide variant.
Coding change: c.1577C>T on transcript NM_144631.6 (MANE Select); coding-DNA position 1577, C replaced by T.
Protein change: p.Pro526Leu; replaces proline 526 with leucine.
Molecular consequence: missense variant.
Genome position (GRCh38, 1-based): chr2:27,377,594, G>A on the plus strand (C>T on the coding strand, the complement: ZNF513 is on the minus strand). VCF-style: chr2-27377594-G-A. GRCh37 (hg19) VCF-style: chr2-27600461-G-A.
Other names: c.1391C>T, p.Pro464Leu (NM_001201459.2); short protein forms P526L, P464L.
Identifiers: ClinVar variation 860512 (VCV000860512.10), dbSNP rs376865509, ClinGen allele CA346214084.
Genomic context (GRCh38, chr2:27,377,594, plus strand): 5'-AAGGACCTAGTTCAGGATGAGTCTGTGTGGACAGCCCGGCTGCCAGCAGTCCCCAGGGCT[G>A]GTGGGCCCCGAGAGCTCAAAACAGAGGGTGGGCTATGAGGTGGGGCCCAGCCCTCAGAGG-3'
Protein context (NP_653232.3, residues 516-536): PPSVLSSRGP[Pro526Leu]ALGTAGSRAV

ClinVar aggregate classification (germline): Uncertain significance (1 of 4 stars; one submission).

Submission:

Labcorp Genetics (formerly Invitae), Labcorp
Classification: Uncertain significance. Last evaluated: 2019-12-31. Review status: criteria provided, single submitter. Criteria: Invitae Variant Classification Sherloc (09022015). Collection method: clinical testing. Allele origin: germline.
Comment: In summary, the available evidence is currently insufficient to determine the role of this variant in disease. Therefore, it has been classified as a Variant of Uncertain Significance. Algorithms developed to predict the effect of missense changes on protein structure and function (SIFT, PolyPhen-2, Align-GVGD) all suggest that this variant is likely to be tolerated, but these predictions have not been confirmed by published functional studies and their clinical significance is uncertain. This variant has not been reported in the literature in individuals with ZNF513-related conditions. This variant is not present in population databases (ExAC no frequency). This sequence change replaces proline with leucine at codon 526 of the ZNF513 protein (p.Pro526Leu). The proline residue is weakly conserved and there is a moderate physicochemical difference between proline and leucine.